The following is an entry in ClinVar:

NM_005585.5(SMAD6):c.358G>A (p.Asp120Asn)

Gene: SMAD6 (SMAD family member 6; plus strand). Cytogenetic location: 15q22.31.
Variant type: single nucleotide variant.
Coding change: c.358G>A on transcript NM_005585.5 (MANE Select); coding-DNA position 358, G replaced by A.
Protein change: p.Asp120Asn; replaces aspartic acid 120 with asparagine.
Molecular consequence: missense variant. On other transcripts: non-coding transcript variant (1).
Genome position (GRCh38, 1-based): chr15:66,703,616, G>A. VCF-style: chr15-66703616-G-A. GRCh37 (hg19) VCF-style: chr15-66995954-G-A.
Other names: short protein forms D120N.
Identifiers: ClinVar variation 1986085 (VCV001986085.4), dbSNP rs1397296874, ClinGen allele CA392949381.

ClinVar aggregate classification (germline): Uncertain significance (1 of 4 stars; one submission).

Conditions:
Aortic valve disease 2 (AOVD2). Identifiers: MedGen C3542024, MONDO:0013902, OMIM 614823.

Allele frequency attached by ClinVar (database versions not stated): gnomAD 0.00001; TOPMed 0.00002.
gnomAD v4.1: 5 of 1,230,058 alleles (0.00041%); highest among the groups gnomAD compares: Non-Finnish European, 0.00041%; no homozygotes.

Submission:

Labcorp Genetics (formerly Invitae), Labcorp
Classification: Uncertain significance for Aortic valve disease 2. Last evaluated: 2024-07-08. Review status: criteria provided, single submitter. Criteria: Invitae Variant Classification Sherloc (09022015). Collection method: clinical testing. Allele origin: germline.
Comment: This sequence change replaces aspartic acid, which is acidic and polar, with asparagine, which is neutral and polar, at codon 120 of the SMAD6 protein (p.Asp120Asn). This variant is not present in population databases (gnomAD no frequency). This variant has not been reported in the literature in individuals affected with SMAD6-related conditions. ClinVar contains an entry for this variant (Variation ID: 1986085). An algorithm developed to predict the effect of missense changes on protein structure and function (PolyPhen-2) suggests that this variant is likely to be disruptive. In summary, the available evidence is currently insufficient to determine the role of this variant in disease. Therefore, it has been classified as a Variant of Uncertain Significance.